The following is an entry in ClinVar:

ClinVar aggregate classification (germline): Uncertain significance (1 of 4 stars; one submission).

Conditions:
Emery-Dreifuss muscular dystrophy 5, autosomal dominant (EDMD5). Also called: EMERY-DREIFUSS MUSCULAR DYSTROPHY 5. Identifiers: Orphanet 261, MedGen C2751805, MONDO:0013072, OMIM 612999.

Allele frequency attached by ClinVar (database versions not stated): TOPMed below 0.00001; gnomAD 0.00001.
gnomAD v4.1: 4 of 1,610,622 alleles (0.00025%); highest among the groups gnomAD compares: Non-Finnish European, 0.00034%; no homozygotes.

Submission:

Labcorp Genetics (formerly Invitae), Labcorp
Classification: Uncertain significance for Emery-Dreifuss muscular dystrophy 5, autosomal dominant. Last evaluated: 2022-05-03. Review status: criteria provided, single submitter. Criteria: Invitae Variant Classification Sherloc (09022015). Collection method: clinical testing. Allele origin: germline.
Comment: In summary, the available evidence is currently insufficient to determine the role of this variant in disease. Therefore, it has been classified as a Variant of Uncertain Significance. Algorithms developed to predict the effect of missense changes on protein structure and function output the following: SIFT: "Tolerated"; PolyPhen-2: "Possibly Damaging"; Align-GVGD: "Class C0". The leucine amino acid residue is found in multiple mammalian species, which suggests that this missense change does not adversely affect protein function. This variant has not been reported in the literature in individuals affected with SYNE2-related conditions. This variant is not present in population databases (gnomAD no frequency). This sequence change replaces histidine, which is basic and polar, with leucine, which is neutral and non-polar, at codon 2128 of the SYNE2 protein (p.His2128Leu).

NM_182914.3(SYNE2):c.6383A>T (p.His2128Leu)

Gene: SYNE2 (spectrin repeat containing nuclear envelope protein 2; plus strand). Cytogenetic location: 14q23.2.
Variant type: single nucleotide variant.
Coding change: c.6383A>T on transcript NM_182914.3 (MANE Select); coding-DNA position 6383, A replaced by T.
Protein change: p.His2128Leu; replaces histidine 2128 with leucine.
Molecular consequence: missense variant.
Genome position (GRCh38, 1-based): chr14:64,026,709, A>T. VCF-style: chr14-64026709-A-T. GRCh37 (hg19) VCF-style: chr14-64493427-A-T.
Other names: c.6383A>T, p.His2128Leu (NM_015180.6); short protein forms H2128L.
Identifiers: ClinVar variation 1897840 (VCV001897840.5), dbSNP rs1300658160, ClinGen allele CA389947870.